The following is an entry in ClinVar:

NM_001243177.4(ALDOA):c.572A>T (p.Gln191Leu)

Genes: ALDOA (aldolase, fructose-bisphosphate A; plus strand), LOC112694756 (uncharaterized LOC112694756; plus strand). Cytogenetic location: 16p11.2.
Variant type: single nucleotide variant.
Coding change: c.572A>T on transcript NM_001243177.4 (MANE Select); coding-DNA position 572, A replaced by T.
Protein change: p.Gln191Leu; replaces glutamine 191 with leucine.
Molecular consequence: missense variant. On other transcripts: 3 prime UTR variant (3).
Genome position (GRCh38, 1-based): chr16:30,068,848, A>T. VCF-style: chr16-30068848-A-T. GRCh37 (hg19) VCF-style: chr16-30080169-A-T.
Other names: c.*919A>T (NM_001365304.2, NM_001365305.2, NM_001365307.2); c.410A>T, p.Gln137Leu (NM_001127617.2, NM_184041.5, NM_184043.2); short protein forms Q191L, Q137L.
Identifiers: ClinVar variation 1361878 (VCV001361878.8), dbSNP rs1283845684, ClinGen allele CA395487857.

ClinVar aggregate classification (germline): Uncertain significance (1 of 4 stars; one submission).

Conditions:
HNSHA due to aldolase A deficiency (GSD12). Also called: Glycogen storage disease due to aldolase A deficiency; GLYCOGEN STORAGE DISEASE XII; GSD XII; RED CELL ALDOLASE DEFICIENCY. Identifiers: Orphanet 57, MedGen C0272066, MONDO:0012747, OMIM 611881.

Allele frequency attached by ClinVar (database versions not stated): TOPMed below 0.00001; gnomAD 0.00001.
gnomAD v4.1: 2 of 1,614,078 alleles (0.00012%); highest among the groups gnomAD compares: African/African-American, 0.0027%; no homozygotes.

Submission:

Labcorp Genetics (formerly Invitae), Labcorp
Classification: Uncertain significance for HNSHA due to aldolase A deficiency. Last evaluated: 2021-01-01. Review status: criteria provided, single submitter. Criteria: Invitae Variant Classification Sherloc (09022015). Collection method: clinical testing. Allele origin: germline.
Comment: In summary, the available evidence is currently insufficient to determine the role of this variant in disease. Therefore, it has been classified as a Variant of Uncertain Significance. Algorithms developed to predict the effect of missense changes on protein structure and function are either unavailable or do not agree on the potential impact of this missense change (SIFT: "Deleterious"; PolyPhen-2: "Benign"; Align-GVGD: "Class C0"). This variant has not been reported in the literature in individuals with ALDOA-related conditions. This variant is not present in population databases (ExAC no frequency). This sequence change replaces glutamine with leucine at codon 137 of the ALDOA protein (p.Gln137Leu). The glutamine residue is highly conserved and there is a moderate physicochemical difference between glutamine and leucine.